The following is an entry in ClinVar:

NM_006648.4(WNK2):c.2962C>T (p.Pro988Ser)

Gene: WNK2 (WNK lysine deficient protein kinase 2; plus strand). Cytogenetic location: 9q22.31.
Variant type: single nucleotide variant.
Coding change: c.2962C>T on transcript NM_006648.4 (MANE Select); coding-DNA position 2962, C replaced by T.
Protein change: p.Pro988Ser; replaces proline 988 with serine.
Molecular consequence: missense variant.
Genome position (GRCh38, 1-based): chr9:93,259,510, C>T. VCF-style: chr9-93259510-C-T. GRCh37 (hg19) VCF-style: chr9-96021792-C-T.
Other names: c.2962C>T, p.Pro988Ser (NM_001282394.3); short protein forms P988S.
Identifiers: ClinVar variation 3817129 (VCV003817129.1).

ClinVar aggregate classification (germline): Uncertain significance (1 of 4 stars; one submission).

gnomAD v4.1: 2 of 1,574,528 alleles (0.00013%); highest among the groups gnomAD compares: East Asian, 0.0023%; no homozygotes.

Submission:

Ambry Genetics
Classification: Uncertain significance. Last evaluated: 2025-02-22. Review status: criteria provided, single submitter. Criteria: Ambry Variant Classification Scheme 2023. Collection method: clinical testing. Allele origin: germline.
Comment: The p.P988S variant (also known as c.2962C>T), located in coding exon 11 of the WNK2 gene, results from a C to T substitution at nucleotide position 2962. The proline at codon 988 is replaced by serine, an amino acid with similar properties. This amino acid position is conserved. In addition, this alteration is predicted to be tolerated by in silico analysis. Based on the available evidence, the clinical significance of this variant remains unclear.